The following is an entry in ClinVar:

ClinVar aggregate classification (germline): Uncertain significance. Review status: criteria provided, multiple submitters, no conflicts (2 of 4 stars). 2 submissions from 2 submitters: Uncertain significance (2). Last evaluated 2022-07-12.

Conditions:
Myoclonic epilepsy, juvenile, susceptibility to, 1. Also called: Myoclonic Epilepsy, Juvenile, 1; EJM1. Identifiers: MedGen C1850778, MONDO:0020752, OMIM 254770.
Absence seizure. Also called: Absence epilepsy. Identifiers: Orphanet 1941, MedGen C0014553.

Allele frequency attached by ClinVar (database versions not stated): ExAC 0.00001; gnomAD exomes 0.00001; TOPMed 0.00002.
gnomAD v4.1: 51 of 1,614,110 alleles (0.0032%); highest among the groups gnomAD compares: Non-Finnish European, 0.0037%; no homozygotes.

Submissions (2):

Labcorp Genetics (formerly Invitae), Labcorp
Classification: Uncertain significance for Myoclonic epilepsy, juvenile, susceptibility to, 1; Absence seizure. Last evaluated: 2022-07-12. Review status: criteria provided, single submitter. Criteria: Invitae Variant Classification Sherloc (09022015). Collection method: clinical testing. Allele origin: germline.
Comment: Algorithms developed to predict the effect of missense changes on protein structure and function are either unavailable or do not agree on the potential impact of this missense change (SIFT: "Deleterious"; PolyPhen-2: "Benign"; Align-GVGD: "Class C0"). This sequence change replaces methionine, which is neutral and non-polar, with threonine, which is neutral and polar, at codon 516 of the EFHC1 protein (p.Met516Thr). This variant is present in population databases (rs372520849, gnomAD 0.003%). This variant has not been reported in the literature in individuals affected with EFHC1-related conditions. ClinVar contains an entry for this variant (Variation ID: 205413). In summary, the available evidence is currently insufficient to determine the role of this variant in disease. Therefore, it has been classified as a Variant of Uncertain Significance.

GeneDx
Classification: Uncertain significance. Last evaluated: 2015-08-10. Review status: criteria provided, single submitter. Criteria: GeneDx Variant Classification (06012015). Collection method: clinical testing. Allele origin: germline. Affected: yes.
Comment: p.Met516Thr (ATG>ACG): c.1547 T>C in exon 9 of the EFHC1 gene (NM_018100.3). The Met516Thr missense change has not been published as a mutation, nor has it been reported as a benign polymorphism to our knowledge. The NHLBI ESP Exome Variant Project has not identified Met516Thr in approximately 6,500 individuals of European or African American ethnicity, indicating that it is not a common benign variant in these populations. The amino acid substitution is non-conservative, as a non-polar Methionine residue is replaced by a polar Threonine residue. It alters a poorly conserved position in the DM10 domain of the protein. Some in silico algorithms predict Met516Thr may be damaging to protein structure/function, although another model suggests it may be benign. Therefore, based on the currently available information, it is unclear whether Met516Thr is a disease-causing mutation or a rare benign variant. The variant is found in EPILEPSY panel(s).

NM_018100.4(EFHC1):c.1547T>C (p.Met516Thr)

Gene: EFHC1 (EF-hand domain containing 1; plus strand). Cytogenetic location: 6p12.2.
Variant type: single nucleotide variant.
Coding change: c.1547T>C on transcript NM_018100.4 (MANE Select); coding-DNA position 1547, T replaced by C.
Protein change: p.Met516Thr; replaces methionine 516 with threonine.
Molecular consequence: missense variant. On other transcripts: non-coding transcript variant (1).
Genome position (GRCh38, 1-based): chr6:52,479,694, T>C. VCF-style: chr6-52479694-T-C. GRCh37 (hg19) VCF-style: chr6-52344492-T-C.
Other names: p.M516T:ATG>ACG; c.1490T>C, p.Met497Thr (NM_001172420.2); short protein forms M516T, M497T.
Identifiers: ClinVar variation 205413 (VCV000205413.13), dbSNP rs372520849, ClinGen allele CA314460.